The following is an entry in ClinVar:

ClinVar aggregate classification (germline): Uncertain significance (1 of 4 stars; one submission).

Allele frequency attached by ClinVar (database versions not stated): gnomAD exomes below 0.00001.
gnomAD v4.1: 1 of 1,614,186 alleles (0.000062%); highest among the groups gnomAD compares: Non-Finnish European, 0.000085%; no homozygotes.

Submission:

Labcorp Genetics (formerly Invitae), Labcorp
Classification: Uncertain significance. Last evaluated: 2022-12-08. Review status: criteria provided, single submitter. Criteria: Invitae Variant Classification Sherloc (09022015). Collection method: clinical testing. Allele origin: germline.
Comment: This variant is not present in population databases (gnomAD no frequency). This sequence change replaces leucine, which is neutral and non-polar, with phenylalanine, which is neutral and non-polar, at codon 453 of the A2ML1 protein (p.Leu453Phe). In summary, the available evidence is currently insufficient to determine the role of this variant in disease. Therefore, it has been classified as a Variant of Uncertain Significance. Algorithms developed to predict the effect of missense changes on protein structure and function are either unavailable or do not agree on the potential impact of this missense change (SIFT: "Deleterious"; PolyPhen-2: "Probably Damaging"; Align-GVGD: "Class C0"). This variant has not been reported in the literature in individuals affected with A2ML1-related conditions.

NM_144670.6(A2ML1):c.1357C>T (p.Leu453Phe)

Gene: A2ML1 (alpha-2-macroglobulin like 1; plus strand). Cytogenetic location: 12p13.31.
Variant type: single nucleotide variant.
Coding change: c.1357C>T on transcript NM_144670.6 (MANE Select); coding-DNA position 1357, C replaced by T.
Protein change: p.Leu453Phe; replaces leucine 453 with phenylalanine.
Molecular consequence: missense variant.
Genome position (GRCh38, 1-based): chr12:8,843,242, C>T. VCF-style: chr12-8843242-C-T. GRCh37 (hg19) VCF-style: chr12-8995838-C-T.
Other names: short protein forms L453F.
Identifiers: ClinVar variation 2985667 (VCV002985667.3), dbSNP rs2539225677, ClinGen allele CA383825059.